The following is an entry in ClinVar:

ClinVar aggregate classification (germline): Uncertain significance (1 of 4 stars; one submission).

Conditions:
Cardiovascular phenotype. Identifiers: MedGen CN230736.

Submission:

Ambry Genetics
Classification: Uncertain significance for Cardiovascular phenotype. Last evaluated: 2025-06-17. Review status: criteria provided, single submitter. Criteria: Ambry Variant Classification Scheme 2023. Collection method: clinical testing. Allele origin: germline.
Comment: The p.C1666W variant (also known as c.4998T>G), located in coding exon 38 of the ANK2 gene, results from a T to G substitution at nucleotide position 4998. The cysteine at codon 1666 is replaced by tryptophan, an amino acid with highly dissimilar properties. This amino acid position is conserved. In addition, this alteration is predicted to be tolerated by in silico analysis. Based on the available evidence, the clinical significance of this variant remains unclear.

NM_001148.6(ANK2):c.4998T>G (p.Cys1666Trp)

Gene: ANK2 (ankyrin 2; plus strand). Cytogenetic location: 4q26.
Variant type: single nucleotide variant.
Coding change: c.4998T>G on transcript NM_001148.6 (MANE Select); coding-DNA position 4998, T replaced by G.
Protein change: p.Cys1666Trp; replaces cysteine 1666 with tryptophan.
Molecular consequence: missense variant. On other transcripts: intron variant (68).
Genome position (GRCh38, 1-based): chr4:113,353,616, T>G. VCF-style: chr4-113353616-T-G. GRCh37 (hg19) VCF-style: chr4-114274772-T-G.
Other names: c.4764T>G, p.Cys1588Trp (NM_001386142.1); c.1398T>G, p.Cys466Trp (NM_001386166.1); c.5139T>G, p.Cys1713Trp (NM_001386174.1); c.5115T>G, p.Cys1705Trp (NM_001386175.1); c.4411+3367T>G (NM_001386186.2, NM_001386148.2); c.4213+3367T>G (NM_001354269.3); c.4291+3367T>G (NM_001386187.2); c.4252+3367T>G (NM_001386147.1); and 35 more; short protein forms C1713W, C466W, C1588W, C1666W, C1705W.
Identifiers: ClinVar variation 4096406 (VCV004096406.1).
Genomic context (GRCh38, chr4:113,353,616, plus strand): 5'-CTGTGTGCCTCTTCCCAAAGAGCAGCTGCAGACAGTTCAAGATAAGGCAGGGAAGAAATG[T>G]GAGGCTCTGGCTGTTGGCAGGAGCTCTGAAAAGGAAGGGAAAGACATACCCCCAGATGAG-3'
Protein context (NP_001139.3, residues 1656-1676): QTVQDKAGKK[Cys1666Trp]EALAVGRSSE